The following is an entry in ClinVar:

ClinVar aggregate classification (germline): Uncertain significance. Review status: criteria provided, multiple submitters, no conflicts (2 of 4 stars). 2 submissions from 2 submitters: Uncertain significance (2). Last evaluated 2025-06-13.

Conditions:
Colorectal cancer, hereditary nonpolyposis, type 7. Identifiers: Orphanet 144, MedGen C1858380, MONDO:0013725, OMIM 614385.

Allele frequency attached by ClinVar (database versions not stated): gnomAD exomes below 0.00001; TOPMed below 0.00001.
gnomAD v4.1: 8 of 1,614,150 alleles (0.0005%); highest among the groups gnomAD compares: Non-Finnish European, 0.00059%; no homozygotes.

Submissions (2):

Ambry Genetics
Classification: Uncertain significance. Last evaluated: 2025-06-13. Review status: criteria provided, single submitter. Criteria: Ambry Variant Classification Scheme 2023. Collection method: clinical testing. Allele origin: germline.
Comment: The p.K1355E variant (also known as c.4063A>G), located in coding exon 10 of the MLH3 gene, results from an A to G substitution at nucleotide position 4063. The lysine at codon 1355 is replaced by glutamic acid, an amino acid with similar properties. This amino acid position is conserved. In addition, the in silico prediction for this alteration is inconclusive. Since supporting evidence is limited at this time, the clinical significance of this alteration remains unclear.

Labcorp Genetics (formerly Invitae), Labcorp
Classification: Uncertain significance for Colorectal cancer, hereditary nonpolyposis, type 7. Last evaluated: 2023-10-05. Review status: criteria provided, single submitter. Criteria: Invitae Variant Classification Sherloc (09022015). Collection method: clinical testing. Allele origin: germline.
Comment: This sequence change replaces lysine, which is basic and polar, with glutamic acid, which is acidic and polar, at codon 1355 of the MLH3 protein (p.Lys1355Glu). This variant is not present in population databases (gnomAD no frequency). This variant has not been reported in the literature in individuals affected with MLH3-related conditions. ClinVar contains an entry for this variant (Variation ID: 2563567). An algorithm developed to predict the effect of missense changes on protein structure and function (PolyPhen-2) suggests that this variant is likely to be disruptive. In summary, the available evidence is currently insufficient to determine the role of this variant in disease. Therefore, it has been classified as a Variant of Uncertain Significance.

NM_001040108.2(MLH3):c.4063A>G (p.Lys1355Glu)

Gene: MLH3 (mutL homolog 3; minus strand). Cytogenetic location: 14q24.3.
Variant type: single nucleotide variant.
Coding change: c.4063A>G on transcript NM_001040108.2 (MANE Select); coding-DNA position 4063, A replaced by G.
Protein change: p.Lys1355Glu; replaces lysine 1355 with glutamic acid.
Molecular consequence: missense variant.
Genome position (GRCh38, 1-based): chr14:75,022,841, T>C on the plus strand (A>G on the coding strand, the complement: MLH3 is on the minus strand). VCF-style: chr14-75022841-T-C. GRCh37 (hg19) VCF-style: chr14-75489544-T-C.
Other names: c.3991A>G, p.Lys1331Glu (NM_014381.3); short protein forms K1331E, K1355E.
Identifiers: ClinVar variation 2563567 (VCV002563567.6), dbSNP rs1890378426, ClinGen allele CA390420722.